The following is an entry in ClinVar:

ClinVar aggregate classification (germline): Benign/Likely benign. Review status: criteria provided, multiple submitters, no conflicts (2 of 4 stars). 5 submissions from 5 submitters: Benign (1); Likely benign (4). Last evaluated 2026-04-22.

Conditions:
Colorectal cancer, susceptibility to, 1. Also called: COLORECTAL ADENOMA AND CANCER, SUSCEPTIBILITY TO; COLORECTAL CANCER, SUSCEPTIBILITY TO, ON CHROMOSOME 9. Identifiers: MedGen C1837315, MONDO:0012132, OMIM 608812.

Allele frequency attached by ClinVar (database versions not stated): TOPMed below 0.00001.
gnomAD v4.1: 8 of 1,112,248 alleles (0.00072%); highest among the groups gnomAD compares: East Asian, 0.0048%; no homozygotes.

Submissions (5):

Myriad Genetics, Inc.
Classification: Benign for Colorectal cancer, susceptibility to, 1. Last evaluated: 2026-04-22. Review status: criteria provided, single submitter. Criteria: Myriad Autosomal Dominant, Autosomal Recessive and X-Linked Classification Criteria (2023). Collection method: clinical testing. Allele origin: unknown.
Comment: This variant is considered benign. This variant is a silent/synonymous amino acid change and it is not expected to impact splicing.

Labcorp Genetics (formerly Invitae), Labcorp
Classification: Likely benign. Last evaluated: 2024-09-22. Review status: criteria provided, single submitter. Criteria: Invitae Variant Classification Sherloc (09022015). Collection method: clinical testing. Allele origin: germline.

Blueprint Genetics
Classification: Likely benign. Last evaluated: 2024-06-13. Review status: criteria provided, single submitter. Criteria: ACMG Guidelines, 2015. Collection method: clinical testing. Allele origin: germline.

Quest Diagnostics Nichols Institute San Juan Capistrano
Classification: Likely benign. Last evaluated: 2021-08-04. Review status: criteria provided, single submitter. Criteria: Quest Diagnostics criteria. Collection method: clinical testing. Allele origin: unknown.

Ambry Genetics
Classification: Likely benign. Last evaluated: 2019-06-27. Review status: criteria provided, single submitter. Criteria: Ambry Variant Classification Scheme 2023. Collection method: clinical testing. Allele origin: germline.

NM_024642.5(GALNT12):c.189G>T (p.Pro63=)

Gene: GALNT12 (polypeptide N-acetylgalactosaminyltransferase 12; plus strand). Cytogenetic location: 9q22.33.
Variant type: single nucleotide variant.
Coding change: c.189G>T on transcript NM_024642.5 (MANE Select); coding-DNA position 189, G replaced by T.
Protein change: p.Pro63=; no amino-acid change (proline 63 retained).
Molecular consequence: synonymous variant.
Genome position (GRCh38, 1-based): chr9:98,807,887, G>T. VCF-style: chr9-98807887-G-T. GRCh37 (hg19) VCF-style: chr9-101570169-G-T.
Identifiers: ClinVar variation 820266 (VCV000820266.10), dbSNP rs1588436237, ClinGen allele CA466647430.